The following is an entry in ClinVar:

ClinVar aggregate classification (germline): Uncertain significance (1 of 4 stars; one submission).

Conditions:
Familial adenomatous polyposis 1 (FAP1). Also called: FAMILIAL ADENOMATOUS POLYPOSIS 1, ATTENUATED; POLYPOSIS, ADENOMATOUS INTESTINAL. Identifiers: MedGen C2713442, MONDO:0021056, OMIM 175100. Disease mechanism: loss of function.

Submission:

Labcorp Genetics (formerly Invitae), Labcorp
Classification: Uncertain significance for Familial adenomatous polyposis 1. Last evaluated: 2025-09-22. Review status: criteria provided, single submitter. Criteria: Invitae Variant Classification Sherloc (09022015). Collection method: clinical testing. Allele origin: germline.
Comment: This sequence change replaces alanine, which is neutral and non-polar, with glycine, which is neutral and non-polar, at codon 1247 of the APC protein (p.Ala1247Gly). This variant is not present in population databases (gnomAD no frequency). This variant has not been reported in the literature in individuals affected with APC-related conditions. ClinVar contains an entry for this variant (Variation ID: 1347046). Invitae Evidence Modeling of protein sequence and biophysical properties (such as structural, functional, and spatial information, amino acid conservation, physicochemical variation, residue mobility, and thermodynamic stability) indicates that this missense variant is not expected to disrupt APC protein function with a negative predictive value of 95%. In summary, the available evidence is currently insufficient to determine the role of this variant in disease. Therefore, it has been classified as a Variant of Uncertain Significance.

NM_000038.6(APC):c.3740C>G (p.Ala1247Gly)

Gene: APC (APC regulator of Wnt signaling pathway; plus strand). Cytogenetic location: 5q22.2.
Variant type: single nucleotide variant.
Coding change: c.3740C>G on transcript NM_000038.6 (MANE Select); coding-DNA position 3740, C replaced by G.
Protein change: p.Ala1247Gly; replaces alanine 1247 with glycine.
Molecular consequence: missense variant.
Genome position (GRCh38, 1-based): chr5:112,839,334, C>G. VCF-style: chr5-112839334-C-G. GRCh37 (hg19) VCF-style: chr5-112175031-C-G.
Other names: c.3740C>G, p.Ala1247Gly (NM_001127510.3, NM_001354895.2); c.3686C>G, p.Ala1229Gly (NM_001127511.3); c.3794C>G, p.Ala1265Gly (NM_001354896.2); c.3770C>G, p.Ala1257Gly (NM_001354897.2); c.3665C>G, p.Ala1222Gly (NM_001354898.2); c.3656C>G, p.Ala1219Gly (NM_001354899.2); c.3617C>G, p.Ala1206Gly (NM_001354900.2); c.3563C>G, p.Ala1188Gly (NM_001354901.2); and 5 more; short protein forms A1265G, A1146G, A1156G, A1222G, A1087G, A1188G, A1257G, A1121G.
Identifiers: ClinVar variation 1347046 (VCV001347046.8), dbSNP rs1441008398, ClinGen allele CA16029540.